The following is an entry in ClinVar:

NM_000138.5(FBN1):c.1391del (p.Arg464fs)

Gene: FBN1 (fibrillin 1; minus strand). Cytogenetic location: 15q21.1.
Variant type: Deletion.
Coding change: c.1391del on transcript NM_000138.5 (MANE Select); coding-DNA position 1391, one base deleted (G; older notation c.1391delG).
Protein change: p.Arg464fs; shifts the reading frame from arginine 464.
Molecular consequence: frameshift variant.
Genome position (GRCh38, 1-based): chr15:48,515,464, C deleted on the plus strand (G on the coding strand, the reverse complement: FBN1 is on the minus strand). VCF-style (leftmost placement, unchanged base first): chr15-48515463-GC-G. GRCh37 (hg19) VCF-style: chr15-48807660-GC-G.
Other names: short protein forms R464fs.
Identifiers: ClinVar variation 549014 (VCV000549014.18), dbSNP rs1555400385, ClinGen allele CA658824480.

ClinVar aggregate classification (germline): Pathogenic. Review status: criteria provided, single submitter (1 of 4 stars). 2 submissions from 2 submitters: Pathogenic (1). 1 of the submissions does not count toward it. Last evaluated 2021-03-01.

Conditions:
Marfan syndrome (MFS). Also called: Marfan syndrome type 1; Marfan syndrome, classic; Marfan's syndrome; FBN1-Related Marfan Syndrome; MARFAN SYNDROME, TYPE I. Identifiers: Orphanet 284963, Orphanet 558, MedGen C0024796, MONDO:0007947, OMIM 154700.

Submissions (2):

Centre of Medical Genetics, University of Antwerp
Classification: Pathogenic for Marfan syndrome. Last evaluated: 2021-03-01. Review status: criteria provided, single submitter. Criteria: Submitter's publication. Collection method: research. Allele origin: unknown. Affected: yes.
Comment: PM2, PVS1, PP4

Center for Medical Genetics Ghent, University of Ghent
Classification: Likely pathogenic for Marfan syndrome. Last evaluated: 2017-11-07. Review status: no assertion criteria provided. Collection method: clinical testing. Allele origin: de novo. Affected: yes. Not counted in ClinVar's aggregate classification.